The following is an entry in ClinVar:

ClinVar aggregate classification (germline): Uncertain significance (1 of 4 stars; one submission).

Conditions:
COG5-congenital disorder of glycosylation. Also called: CONGENITAL DISORDER OF GLYCOSYLATION, TYPE IIi; CDG IIi; COG5-CDG. Identifiers: Orphanet 263487, MedGen C3150876, MONDO:0013325, OMIM 613612.

Allele frequency attached by ClinVar (database versions not stated): gnomAD 0.00001; TOPMed 0.00004.
gnomAD v4.1: 1 of 1,613,788 alleles (0.000062%); highest among the groups gnomAD compares: Admixed American, 0.0017%; no homozygotes.

Submission:

Labcorp Genetics (formerly Invitae), Labcorp
Classification: Uncertain significance for COG5-congenital disorder of glycosylation. Last evaluated: 2023-11-27. Review status: criteria provided, single submitter. Criteria: Invitae Variant Classification Sherloc (09022015). Collection method: clinical testing. Allele origin: germline.
Comment: This sequence change replaces asparagine, which is neutral and polar, with aspartic acid, which is acidic and polar, at codon 70 of the COG5 protein (p.Asn70Asp). This variant is not present in population databases (gnomAD no frequency). This variant has not been reported in the literature in individuals affected with COG5-related conditions. ClinVar contains an entry for this variant (Variation ID: 1948395). An algorithm developed to predict the effect of missense changes on protein structure and function (PolyPhen-2) suggests that this variant¬†is likely to be tolerated. In summary, the available evidence is currently insufficient to determine the role of this variant in disease. Therefore, it has been classified as a Variant of Uncertain Significance.

NM_006348.5(COG5):c.115A>G (p.Asn39Asp)

Gene: COG5 (component of oligomeric golgi complex 5; minus strand). Cytogenetic location: 7q22.3.
Variant type: single nucleotide variant.
Coding change: c.115A>G on transcript NM_006348.5 (MANE Select); coding-DNA position 115, A replaced by G.
Protein change: p.Asn39Asp; replaces asparagine 39 with aspartic acid.
Molecular consequence: missense variant.
Genome position (GRCh38, 1-based): chr7:107,558,095, T>C on the plus strand (A>G on the coding strand, the complement: COG5 is on the minus strand). VCF-style: chr7-107558095-T-C. GRCh37 (hg19) VCF-style: chr7-107198540-T-C.
Other names: c.115A>G, p.Asn39Asp (NM_001161520.2, NM_001379511.1, NM_001379512.1 and 5 more transcripts); short protein forms N39D.
Identifiers: ClinVar variation 1948395 (VCV001948395.3), dbSNP rs1021729622, ClinGen allele CA164169547.